The following is an entry in ClinVar:

ClinVar aggregate classification (germline): Uncertain significance (1 of 4 stars; one submission).

Conditions:
Dilated cardiomyopathy 1KK (CMD1KK). Identifiers: Orphanet 154, Orphanet 75249, MedGen C3714995, MONDO:0014100, OMIM 615248.

Submission:

Labcorp Genetics (formerly Invitae), Labcorp
Classification: Uncertain significance for Dilated cardiomyopathy 1KK. Last evaluated: 2022-11-15. Review status: criteria provided, single submitter. Criteria: Invitae Variant Classification Sherloc (09022015). Collection method: clinical testing. Allele origin: germline.
Comment: In summary, the available evidence is currently insufficient to determine the role of this variant in disease. Therefore, it has been classified as a Variant of Uncertain Significance. Variants that disrupt the consensus splice site are a relatively common cause of aberrant splicing (PMID: 17576681, 9536098). Algorithms developed to predict the effect of sequence changes on RNA splicing suggest that this variant is not likely to affect RNA splicing. This variant has not been reported in the literature in individuals affected with MYPN-related conditions. This variant is not present in population databases (gnomAD no frequency). This sequence change falls in intron 4 of the MYPN gene. It does not directly change the encoded amino acid sequence of the MYPN protein. It affects a nucleotide within the consensus splice site.

Literature cited by the submitters: PubMed 17576681; PubMed 9536098.

NM_032578.4(MYPN):c.1130+5T>C

Gene: MYPN (myopalladin; plus strand). Cytogenetic location: 10q21.3.
Variant type: single nucleotide variant.
Coding change: c.1130+5T>C on transcript NM_032578.4 (MANE Select); 5 bases into the intron after coding-DNA position 1130, T replaced by C.
Molecular consequence: intron variant.
Genome position (GRCh38, 1-based): chr10:68,145,531, T>C. VCF-style: chr10-68145531-T-C. GRCh37 (hg19) VCF-style: chr10-69905288-T-C.
Other names: c.1130+5T>C (NM_001256267.2); c.248+5T>C (NM_001256268.2).
Identifiers: ClinVar variation 2051537 (VCV002051537.4), dbSNP rs2495591063, ClinGen allele CA2580081723.
Genomic context (GRCh38, chr10:68,145,531, plus strand): 5'-CCAGGGGTTTCTTCTTCTGACTCAGAAGGCGACCCTAACAAGGAAGAGATGAATCGGTAA[T>C]TCTGATTTTCTGTCTTATAGCTTTAGCATCCTCAGATCAATTAATAGCTCAAAGAGAATG-3'